The following is an entry in ClinVar:

NM_001142800.2(EYS):c.8081T>G (p.Ile2694Arg)

Gene: EYS (EGF-like photoreceptor maintenance factor; minus strand). Cytogenetic location: 6q12.
Variant type: single nucleotide variant.
Coding change: c.8081T>G on transcript NM_001142800.2 (MANE Select); coding-DNA position 8081, T replaced by G.
Protein change: p.Ile2694Arg; replaces isoleucine 2694 with arginine.
Molecular consequence: missense variant.
Genome position (GRCh38, 1-based): chr6:63,726,671, A>C on the plus strand (T>G on the coding strand, the complement: EYS is on the minus strand). VCF-style: chr6-63726671-A-C. GRCh37 (hg19) VCF-style: chr6-64436564-A-C.
Other names: c.8144T>G, p.Ile2715Arg (NM_001292009.2); short protein forms I2694R, I2715R.
Identifiers: ClinVar variation 942995 (VCV000942995.10), dbSNP rs954331122, ClinGen allele CA140237405.
Genomic context (GRCh38, chr6:63,726,671, plus strand): 5'-ACATGAAAGGAAGCAAAAGACATCCAGGATAACTCATTGCTTCTGAAAGATGGATCACTT[A>C]TGGATAAAGCTGAGGGAAGGAGAGAAAGAGAACTCTGGGAGTTATCTGCTGGATTAAAAA-3'
Protein context (NP_001136272.1, residues 2684-2704): TGIYCEQALS[Ile2694Arg]SDPSFRSNEL

ClinVar aggregate classification (germline): Uncertain significance. Review status: criteria provided, multiple submitters, no conflicts (2 of 4 stars). 2 submissions from 2 submitters: Uncertain significance (2). Last evaluated 2025-03-17.

Conditions:
Inborn genetic diseases. Identifiers: MedGen C0950123, MeSH D030342.

Allele frequency attached by ClinVar (database versions not stated): gnomAD 0.00001; TOPMed 0.00001.
gnomAD v4.1: 2 of 1,550,992 alleles (0.00013%); highest among the groups gnomAD compares: African/African-American, 0.0027%; no homozygotes.

Submissions (2):

Labcorp Genetics (formerly Invitae), Labcorp
Classification: Uncertain significance. Last evaluated: 2025-03-17. Review status: criteria provided, single submitter. Criteria: Invitae Variant Classification Sherloc (09022015). Collection method: clinical testing. Allele origin: germline.
Comment: This sequence change replaces isoleucine, which is neutral and non-polar, with arginine, which is basic and polar, at codon 2694 of the EYS protein (p.Ile2694Arg). This variant is not present in population databases (gnomAD no frequency). This variant has not been reported in the literature in individuals affected with EYS-related conditions. ClinVar contains an entry for this variant (Variation ID: 942995). Invitae Evidence Modeling of protein sequence and biophysical properties (such as structural, functional, and spatial information, amino acid conservation, physicochemical variation, residue mobility, and thermodynamic stability) has been performed for this missense variant. However, the output from this modeling did not meet the statistical confidence thresholds required to predict the impact of this variant on EYS protein function. In summary, the available evidence is currently insufficient to determine the role of this variant in disease. Therefore, it has been classified as a Variant of Uncertain Significance.

Ambry Genetics
Classification: Uncertain significance for Inborn genetic diseases. Last evaluated: 2024-10-12. Review status: criteria provided, single submitter. Criteria: Ambry Variant Classification Scheme 2023. Collection method: clinical testing. Allele origin: germline.